The following is an entry in ClinVar:

ClinVar aggregate classification (germline): Uncertain significance. Review status: criteria provided, multiple submitters, no conflicts (2 of 4 stars). 2 submissions from 2 submitters: Uncertain significance (2). Last evaluated 2025-12-21.

Conditions:
Hereditary spastic paraplegia 7 (SPG7). Also called: SPG7-related neurologic disorder; Autosomal recessive spastic paraplegia type 7; SPASTIC PARAPLEGIA 7, AUTOSOMAL RECESSIVE, WITH OR WITHOUT CEREBELLAR ATAXIA; Spastic paraplegia 7; Hereditary spastic paraplegia Paraplegin type. Identifiers: Orphanet 99013, MedGen C1846564, MONDO:0011803, OMIM 607259.

Allele frequency attached by ClinVar (database versions not stated): ExAC 0.00002; gnomAD 0.00003; gnomAD exomes 0.00003; TOPMed 0.00003; ESP Exome Variant Server 0.00008.
gnomAD v4.1: 43 of 1,613,898 alleles (0.0027%); highest among the groups gnomAD compares: South Asian, 0.0044%; no homozygotes.

Submissions (2):

Labcorp Genetics (formerly Invitae), Labcorp
Classification: Uncertain significance for Hereditary spastic paraplegia 7. Last evaluated: 2025-12-21. Review status: criteria provided, single submitter. Criteria: Invitae Variant Classification Sherloc (09022015). Collection method: clinical testing. Allele origin: germline.
Comment: This sequence change replaces arginine, which is basic and polar, with cysteine, which is neutral and slightly polar, at codon 182 of the SPG7 protein (p.Arg182Cys). This variant is present in population databases (rs376397768, gnomAD 0.006%). This variant has not been reported in the literature in individuals affected with SPG7-related conditions. ClinVar contains an entry for this variant (Variation ID: 2499911). Invitae Evidence Modeling of protein sequence and biophysical properties (such as structural, functional, and spatial information, amino acid conservation, physicochemical variation, residue mobility, and thermodynamic stability) indicates that this missense variant is not expected to disrupt SPG7 protein function with a negative predictive value of 80%. In summary, the available evidence is currently insufficient to determine the role of this variant in disease. Therefore, it has been classified as a Variant of Uncertain Significance.

GeneDx
Classification: Uncertain significance. Last evaluated: 2022-10-19. Review status: criteria provided, single submitter. Criteria: GeneDx Variant Classification Process June 2021. Collection method: clinical testing. Allele origin: germline. Affected: yes.
Comment: In silico analysis supports that this missense variant has a deleterious effect on protein structure/function; Has not been previously published as pathogenic or benign to our knowledge; This variant is associated with the following publications: (PMID: 22571692)

NM_003119.4(SPG7):c.544C>T (p.Arg182Cys)

Gene: SPG7 (SPG7 matrix AAA peptidase subunit, paraplegin; plus strand). Cytogenetic location: 16q24.3.
Variant type: single nucleotide variant.
Coding change: c.544C>T on transcript NM_003119.4 (MANE Select); coding-DNA position 544, C replaced by T.
Protein change: p.Arg182Cys; replaces arginine 182 with cysteine.
Molecular consequence: missense variant.
Genome position (GRCh38, 1-based): chr16:89,524,173, C>T. VCF-style: chr16-89524173-C-T. GRCh37 (hg19) VCF-style: chr16-89590581-C-T.
Other names: c.544C>T, p.Arg182Cys (NM_001363850.1, NM_199367.3); short protein forms R182C.
Identifiers: ClinVar variation 2499911 (VCV002499911.4), dbSNP rs376397768, ClinGen allele CA8243665.
Genomic context (GRCh38, chr16:89,524,173, plus strand): 5'-GGAGGCAGCATTTCCTGGAACGACTTTGTCCACGAGATGCTGGCCAAGGGCGAGGTGCAG[C>T]GCGTCCAGGTGGTGCCTGAGAGCGACGTGGTGGAAGTCTACCTGCACCCTGGAGCCGTGG-3'
Protein context (NP_003110.1, residues 172-192): HEMLAKGEVQ[Arg182Cys]VQVVPESDVV